The following is an entry in ClinVar:

ClinVar aggregate classification (germline): Likely benign. Review status: criteria provided, multiple submitters, no conflicts (2 of 4 stars). 4 submissions from 4 submitters: Likely benign (3). 1 of the submissions does not count toward it. Last evaluated 2026-05-01.

Conditions:
PLXNA1-related disorder. Also called: PLXNA1-related condition.

Allele frequency attached by ClinVar (database versions not stated): TOPMed 0.00009; gnomAD 0.00011; ExAC 0.00012; gnomAD exomes 0.00015; 1000 Genomes Project 0.00020; ESP Exome Variant Server 0.00023; 1000 Genomes Project 30x 0.00031.
gnomAD v4.1: 237 of 1,613,270 alleles (0.015%); highest among the groups gnomAD compares: Admixed American, 0.028%; no homozygotes.

Submissions (4):

CeGaT Center for Human Genetics Tuebingen
Classification: Likely benign. Last evaluated: 2026-05-01. Review status: criteria provided, single submitter. Criteria: CeGaT Center For Human Genetics Tuebingen Variant Classification Criteria Version 2. Collection method: clinical testing. Allele origin: germline. Affected: yes. Observed: 2 variant alleles.
Comment: PLXNA1: BP4, BP7

Labcorp Genetics (formerly Invitae), Labcorp
Classification: Likely benign. Last evaluated: 2025-08-11. Review status: criteria provided, single submitter. Criteria: Invitae Variant Classification Sherloc (09022015). Collection method: clinical testing. Allele origin: germline.

Blueprint Genetics
Classification: Likely benign. Last evaluated: 2024-11-26. Review status: criteria provided, single submitter. Criteria: ACMG Guidelines, 2015. Collection method: clinical testing. Allele origin: germline.

PreventionGenetics, part of Exact Sciences
Classification: Likely benign for PLXNA1-related condition. Last evaluated: 2022-03-22. Review status: no assertion criteria provided. Collection method: clinical testing. Allele origin: germline. Not counted in ClinVar's aggregate classification.
Comment: This variant is classified as likely benign based on ACMG/AMP sequence variant interpretation guidelines (Richards et al. 2015 PMID: 25741868, with internal and published modifications).

NM_032242.4(PLXNA1):c.291G>A (p.Pro97=)

Gene: PLXNA1 (plexin A1; plus strand). Cytogenetic location: 3q21.3.
Variant type: single nucleotide variant.
Coding change: c.291G>A on transcript NM_032242.4 (MANE Select); coding-DNA position 291, G replaced by A.
Protein change: p.Pro97=; no amino-acid change (proline 97 retained).
Molecular consequence: synonymous variant.
Genome position (GRCh38, 1-based): chr3:126,988,884, G>A. VCF-style: chr3-126988884-G-A. GRCh37 (hg19) VCF-style: chr3-126707727-G-A.
Identifiers: ClinVar variation 3040773 (VCV003040773.11), dbSNP rs373197049, ClinGen allele CA2592954.
Genomic context (GRCh38, chr3:126,988,884, plus strand): 5'-CCTGACACTGCTGCGGGCCCACGTCACGGGCCCTGTGGAGGACAACGAGAAGTGCTACCC[G>A]CCGCCCAGCGTGCAGTCCTGCCCCCACGGCCTGGGCAGTACTGACAACGTCAACAAGCTG-3'
Protein context (NP_115618.3, residues 87-107): GPVEDNEKCY[Pro97=]PPSVQSCPHG